The following is an entry in ClinVar:

NM_001105206.3(LAMA4):c.1037T>A (p.Met346Lys)

Gene: LAMA4 (laminin subunit alpha 4; minus strand). Cytogenetic location: 6q21.
Variant type: single nucleotide variant.
Coding change: c.1037T>A on transcript NM_001105206.3 (MANE Select); coding-DNA position 1037, T replaced by A.
Protein change: p.Met346Lys; replaces methionine 346 with lysine.
Molecular consequence: missense variant.
Genome position (GRCh38, 1-based): chr6:112,185,277, A>T on the plus strand (T>A on the coding strand, the complement: LAMA4 is on the minus strand). VCF-style: chr6-112185277-A-T. GRCh37 (hg19) VCF-style: chr6-112506479-A-T.
Other names: c.1016T>A, p.Met339Lys (NM_001105207.3, NM_002290.5); short protein forms M339K, M346K.
Identifiers: ClinVar variation 3289940 (VCV003289940.1).
Genomic context (GRCh38, chr6:112,185,277, plus strand): 5'-CTGAATACATACATACGTACCTTTTCAACTAATTCCTCTACGTCAGACAGAAGGCTTTTC[A>T]TCGTGTTCTCAGCATTGTTGATTTGTATCTTTCTTAGGGCGTATTGGTTTTCTCTTTCTG-3'
Protein context (NP_001098676.2, residues 336-356): KIQINNAENT[Met346Lys]KSLLSDVEEL

ClinVar aggregate classification (germline): Uncertain significance (1 of 4 stars; one submission).

Conditions:
Cardiovascular phenotype. Identifiers: MedGen CN230736.

gnomAD v4.1: 5 of 1,613,350 alleles (0.00031%); highest among the groups gnomAD compares: Admixed American, 0.005%; no homozygotes.

Submission:

Ambry Genetics
Classification: Uncertain significance for Cardiovascular phenotype. Last evaluated: 2024-05-02. Review status: criteria provided, single submitter. Criteria: Ambry Variant Classification Scheme 2023. Collection method: clinical testing. Allele origin: germline.
Comment: The p.M339K variant (also known as c.1016T>A), located in coding exon 8 of the LAMA4 gene, results from a T to A substitution at nucleotide position 1016. The methionine at codon 339 is replaced by lysine, an amino acid with similar properties. This amino acid position is conserved. In addition, this alteration is predicted to be tolerated by in silico analysis. Based on the available evidence, the clinical significance of this variant remains unclear.